The following is an entry in ClinVar:

NM_001854.4(COL11A1):c.1453C>A (p.Leu485Ile)

Gene: COL11A1 (collagen type XI alpha 1 chain; minus strand). Cytogenetic location: 1p21.1.
Variant type: single nucleotide variant.
Coding change: c.1453C>A on transcript NM_001854.4 (MANE Select); coding-DNA position 1453, C replaced by A.
Protein change: p.Leu485Ile; replaces leucine 485 with isoleucine.
Molecular consequence: missense variant. On other transcripts: non-coding transcript variant (1).
Genome position (GRCh38, 1-based): chr1:103,015,703, G>T on the plus strand (C>A on the coding strand, the complement: COL11A1 is on the minus strand). VCF-style: chr1-103015703-G-T. GRCh37 (hg19) VCF-style: chr1-103481259-G-T.
Other names: c.1453C>A (NM_001854.3); c.1336C>A, p.Leu446Ile (NM_001190709.2); c.1489C>A, p.Leu497Ile (NM_080629.3); c.1105C>A, p.Leu369Ile (NM_080630.4); short protein forms L369I, L497I, L446I, L485I.
Identifiers: ClinVar variation 1450766 (VCV001450766.11), dbSNP rs536428525, ClinGen allele CA27741090.
Genomic context (GRCh38, chr1:103,015,703, plus strand): 5'-CTCTATAACATAAAAAAGAACATACCGGTAACATCAACATAGTACCAGGAGGACCAGGTA[G>T]ACCATCAGCCCCTGGTAAGCCAGGACGTCCTGGGGGGCCCTAGAAAAATAAATGAAATAA-3'
Protein context (NP_001845.3, residues 475-495): GRPGLPGADG[Leu485Ile]PGPPGTMLML

ClinVar aggregate classification (germline): Conflicting classifications of pathogenicity. Review status: criteria provided, conflicting classifications (1 of 4 stars). 5 submissions from 5 submitters: Uncertain significance (4); Benign (1). Last evaluated 2025-06-03.

Conditions:
COL11A1-related disorder. Also called: COL11A1-related condition; COL11A1-related disorders.
Inborn genetic diseases. Identifiers: MedGen C0950123, MeSH D030342.

Allele frequency attached by ClinVar (database versions not stated): gnomAD 0.00001; 1000 Genomes Project 30x 0.00016; 1000 Genomes Project 0.00020.
gnomAD v4.1: 17 of 1,609,424 alleles (0.0011%); highest among the groups gnomAD compares: East Asian, 0.016%; no homozygotes.

Submissions (5):

Labcorp Genetics (formerly Invitae), Labcorp
Classification: Benign. Last evaluated: 2025-06-03. Review status: criteria provided, single submitter. Criteria: Invitae Variant Classification Sherloc (09022015). Collection method: clinical testing. Allele origin: germline.

Ambry Genetics
Classification: Uncertain significance for Inborn genetic diseases. Last evaluated: 2025-05-07. Review status: criteria provided, single submitter. Criteria: Ambry Variant Classification Scheme 2023. Collection method: clinical testing. Allele origin: germline.

Women's Health and Genetics/Laboratory Corporation of America, LabCorp
Classification: Uncertain significance. Last evaluated: 2024-09-09. Review status: criteria provided, single submitter. Criteria: LabCorp Variant Classification Summary - May 2015. Collection method: clinical testing. Allele origin: germline.
Comment: Variant summary: COL11A1 c.1453C>A (p.Leu485Ile) results in a conservative amino acid change in the encoded protein sequence. Three of five in-silico tools predict a benign effect of the variant on protein function. The variant allele was found at a frequency of 4e-06 in 247958 control chromosomes. The available data on variant occurrences in the general population are insufficient to allow any conclusion about variant significance. To our knowledge, no occurrence of c.1453C>A in individuals affected with Stickler Syndrome and no experimental evidence demonstrating its impact on protein function have been reported. ClinVar contains an entry for this variant (Variation ID: 1450766). Based on the evidence outlined above, the variant was classified as uncertain significance.

GeneDx
Classification: Uncertain significance. Last evaluated: 2023-11-30. Review status: criteria provided, single submitter. Criteria: GeneDx Variant Classification Process June 2021. Collection method: clinical testing. Allele origin: germline. Affected: yes.
Comment: Not observed at significant frequency in large population cohorts (gnomAD); In silico analysis supports that this missense variant does not alter protein structure/function; Has not been previously published as pathogenic or benign to our knowledge

PreventionGenetics, part of Exact Sciences
Classification: Uncertain significance for COL11A1-related condition. Last evaluated: 2022-12-22. Review status: criteria provided, single submitter. Criteria: ACMG Guidelines, 2015. Collection method: clinical testing. Allele origin: germline.
Comment: The COL11A1 c.1453C>A variant is predicted to result in the amino acid substitution p.Leu485Ile. To our knowledge, this variant has not been reported in the literature. This variant is reported in 0.0055% of alleles in individuals of East Asian descent in gnomAD. At this time, the clinical significance of this variant is uncertain due to the absence of conclusive functional and genetic evidence.